The following is an entry in ClinVar:

NM_000051.4(ATM):c.4864dup (p.Glu1622fs)

Gene: ATM (ATM serine/threonine kinase; plus strand). Cytogenetic location: 11q22.3.
Variant type: Duplication.
Coding change: c.4864dup on transcript NM_000051.4 (MANE Select); coding-DNA position 4864, one base duplicated (G; older notation c.4864dupG).
Protein change: p.Glu1622fs; shifts the reading frame from glutamic acid 1622.
Molecular consequence: frameshift variant.
Genome position (GRCh38, 1-based): chr11:108,295,014, G duplicated; the last of 2 consecutive G bases (chr11:108,295,013-108,295,014); duplicating either gives the same sequence. VCF-style (leftmost placement, unchanged base first): chr11-108295012-T-TG. GRCh37 (hg19) VCF-style: chr11-108165739-T-TG.
Other names: c.4864dupG (NM_000051.3); c.4864dup, p.Glu1622fs (NM_001351834.2); short protein forms E1622fs.
Identifiers: ClinVar variation 5031685 (VCV005031685.1).

ClinVar aggregate classification (germline): Pathogenic (1 of 4 stars; one submission).

Conditions:
Hereditary cancer-predisposing syndrome. Also called: Neoplastic Syndromes, Hereditary; Tumor predisposition; Hereditary neoplastic syndrome; Hereditary Cancer Syndrome. Identifiers: Orphanet 140162, MedGen C0027672, MeSH D009386, MONDO:0015356.

Submission:

Ambry Genetics
Classification: Pathogenic for Hereditary cancer-predisposing syndrome. Last evaluated: 2026-07-31. Review status: criteria provided, single submitter. Criteria: Ambry Variant Classification Scheme 2023. Collection method: clinical testing. Allele origin: germline.
Comment: The c.4864dupG pathogenic mutation, located in coding exon 31 of the ATM gene, results from a duplication of G at nucleotide position 4864, causing a translational frameshift with a predicted alternate stop codon (p.E1622Gfs*4). This variant is considered to be rare based on population cohorts in the Genome Aggregation Database (gnomAD). This alteration is expected to result in loss of function by premature protein truncation or nonsense-mediated mRNA decay. As such, this alteration is interpreted as a disease-causing mutation.